The following is an entry in ClinVar:

NM_000384.3(APOB):c.12236G>C (p.Gly4079Ala)

Gene: APOB (apolipoprotein B; minus strand). Cytogenetic location: 2p24.1.
Variant type: single nucleotide variant.
Coding change: c.12236G>C on transcript NM_000384.3 (MANE Select); coding-DNA position 12236, G replaced by C.
Protein change: p.Gly4079Ala; replaces glycine 4079 with alanine.
Molecular consequence: missense variant.
Genome position (GRCh38, 1-based): chr2:21,003,186, C>G on the plus strand (G>C on the coding strand, the complement: APOB is on the minus strand). VCF-style: chr2-21003186-C-G. GRCh37 (hg19) VCF-style: chr2-21226058-C-G.
Other names: short protein forms G4079A.
Identifiers: ClinVar variation 1753533 (VCV001753533.2), dbSNP rs2465351095, ClinGen allele CA345971988.

ClinVar aggregate classification (germline): Uncertain significance (1 of 4 stars; one submission).

Conditions:
Cardiovascular phenotype. Identifiers: MedGen CN230736.

Submission:

Ambry Genetics
Classification: Uncertain significance for Cardiovascular phenotype. Last evaluated: 2021-06-23. Review status: criteria provided, single submitter. Criteria: Ambry Variant Classification Scheme 2023. Collection method: clinical testing. Allele origin: germline.
Comment: The p.G4079A variant (also known as c.12236G>C), located in coding exon 29 of the APOB gene, results from a G to C substitution at nucleotide position 12236. The glycine at codon 4079 is replaced by alanine, an amino acid with similar properties. This amino acid position is conserved. In addition, this alteration is predicted to be tolerated by in silico analysis. Since supporting evidence is limited at this time, the clinical significance of this alteration remains unclear.